The following is an entry in ClinVar:

NM_015340.4(LARS2):c.2251T>C (p.Ser751Pro)

Gene: LARS2 (leucyl-tRNA synthetase 2, mitochondrial; plus strand). Cytogenetic location: 3p21.31.
Variant type: single nucleotide variant.
Coding change: c.2251T>C on transcript NM_015340.4 (MANE Select); coding-DNA position 2251, T replaced by C.
Protein change: p.Ser751Pro; replaces serine 751 with proline.
Molecular consequence: missense variant.
Genome position (GRCh38, 1-based): chr3:45,520,255, T>C. VCF-style: chr3-45520255-T-C. GRCh37 (hg19) VCF-style: chr3-45561747-T-C.
Other names: c.2251T>C, p.Ser751Pro (NM_001368263.1); short protein forms S751P.
Identifiers: ClinVar variation 2097171 (VCV002097171.4), dbSNP rs1700431723, ClinGen allele CA352429555.

ClinVar aggregate classification (germline): Uncertain significance (1 of 4 stars; one submission).

Allele frequency attached by ClinVar (database versions not stated): TOPMed below 0.00001.

Submission:

Labcorp Genetics (formerly Invitae), Labcorp
Classification: Uncertain significance. Last evaluated: 2022-04-20. Review status: criteria provided, single submitter. Criteria: Invitae Variant Classification Sherloc (09022015). Collection method: clinical testing. Allele origin: germline.
Comment: In summary, the available evidence is currently insufficient to determine the role of this variant in disease. Therefore, it has been classified as a Variant of Uncertain Significance. Algorithms developed to predict the effect of missense changes on protein structure and function are either unavailable or do not agree on the potential impact of this missense change (SIFT: "Tolerated"; PolyPhen-2: "Possibly Damaging"; Align-GVGD: "Class C0"). This variant has not been reported in the literature in individuals affected with LARS2-related conditions. This variant is not present in population databases (gnomAD no frequency). This sequence change replaces serine, which is neutral and polar, with proline, which is neutral and non-polar, at codon 751 of the LARS2 protein (p.Ser751Pro).